The following is an entry in ClinVar:

ClinVar aggregate classification (germline): Uncertain significance (1 of 4 stars; one submission).

Allele frequency attached by ClinVar (database versions not stated): TOPMed below 0.00001; gnomAD 0.00001.
gnomAD v4.1: 1 of 1,614,088 alleles (0.000062%); highest among the groups gnomAD compares: Non-Finnish European, 0.000085%; no homozygotes.

Submission:

Labcorp Genetics (formerly Invitae), Labcorp
Classification: Uncertain significance. Last evaluated: 2021-07-02. Review status: criteria provided, single submitter. Criteria: Invitae Variant Classification Sherloc (09022015). Collection method: clinical testing. Allele origin: germline.
Comment: In summary, the available evidence is currently insufficient to determine the role of this variant in disease. Therefore, it has been classified as a Variant of Uncertain Significance. Advanced modeling of protein sequence and biophysical properties (such as structural, functional, and spatial information, amino acid conservation, physicochemical variation, residue mobility, and thermodynamic stability) performed at Invitae indicates that this missense variant is not expected to disrupt FAT4 protein function. This sequence change replaces valine with leucine at codon 3584 of the FAT4 protein (p.Val3584Leu). The valine residue is highly conserved and there is a small physicochemical difference between valine and leucine. This variant is not present in population databases (ExAC no frequency). This variant has not been reported in the literature in individuals affected with FAT4-related conditions.

NM_001291303.3(FAT4):c.10756G>T (p.Val3586Leu)

Gene: FAT4 (FAT atypical cadherin 4; plus strand). Cytogenetic location: 4q28.1.
Variant type: single nucleotide variant.
Coding change: c.10756G>T on transcript NM_001291303.3 (MANE Select); coding-DNA position 10756, G replaced by T.
Protein change: p.Val3586Leu; replaces valine 3586 with leucine.
Molecular consequence: missense variant.
Genome position (GRCh38, 1-based): chr4:125,451,766, G>T. VCF-style: chr4-125451766-G-T. GRCh37 (hg19) VCF-style: chr4-126372921-G-T.
Other names: c.10756G>T, p.Val3586Leu (NM_001291285.3); c.10750G>T, p.Val3584Leu (NM_024582.6); short protein forms V3584L, V3586L.
Identifiers: ClinVar variation 1403953 (VCV001403953.8), dbSNP rs1726084759, ClinGen allele CA358159673.